The following is an entry in ClinVar:

ClinVar aggregate classification (germline): Uncertain significance (1 of 4 stars; one submission).

gnomAD v4.1: 3 of 1,607,620 alleles (0.00019%); highest among the groups gnomAD compares: Admixed American, 0.0017%; no homozygotes.

Submission:

Labcorp Genetics (formerly Invitae), Labcorp
Classification: Uncertain significance. Last evaluated: 2024-02-05. Review status: criteria provided, single submitter. Criteria: Invitae Variant Classification Sherloc (09022015). Collection method: clinical testing. Allele origin: germline.
Comment: This sequence change replaces leucine, which is neutral and non-polar, with valine, which is neutral and non-polar, at codon 7 of the RECQL protein (p.Leu7Val). This variant is present in population databases (no rsID available, gnomAD 0.003%). This variant has not been reported in the literature in individuals affected with RECQL-related conditions. An algorithm developed to predict the effect of missense changes on protein structure and function (PolyPhen-2) suggests that this variant is likely to be tolerated. In summary, the available evidence is currently insufficient to determine the role of this variant in disease. Therefore, it has been classified as a Variant of Uncertain Significance.

NM_002907.4(RECQL):c.19C>G (p.Leu7Val)

Gene: RECQL (RecQ like helicase; minus strand). Cytogenetic location: 12p12.1.
Variant type: single nucleotide variant.
Coding change: c.19C>G on transcript NM_002907.4 (MANE Select); coding-DNA position 19, C replaced by G.
Protein change: p.Leu7Val; replaces leucine 7 with valine.
Molecular consequence: missense variant.
Genome position (GRCh38, 1-based): chr12:21,491,714, G>C on the plus strand (C>G on the coding strand, the complement: RECQL is on the minus strand). VCF-style: chr12-21491714-G-C. GRCh37 (hg19) VCF-style: chr12-21644648-G-C.
Other names: c.19C>G, p.Leu7Val (NM_032941.3); short protein forms L7V.
Identifiers: ClinVar variation 3710092 (VCV003710092.2).